The following is an entry in ClinVar:

ClinVar aggregate classification (germline): Uncertain significance (1 of 4 stars; one submission).

Submission:

Women's Health and Genetics/Laboratory Corporation of America, LabCorp
Classification: Uncertain significance. Last evaluated: 2026-04-22. Review status: criteria provided, single submitter. Criteria: LabCorp Variant Classification Summary - May 2015. Collection method: clinical testing. Allele origin: germline.
Comment: Variant summary: B3GALT6 c.218G>A (p.Arg73His) results in a non-conservative amino acid change in the encoded protein sequence. Algorithms developed to predict the effect of missense changes on protein structure and function all suggest that this variant is likely to be disruptive. The frequency data for this variant in gnomAD is considered unreliable, as metrics indicate poor data quality at this position. To our knowledge, no occurrence of c.218G>A in individuals affected with B3GALT6-related conditions and no experimental evidence demonstrating its impact on protein function have been reported. No submitters have cited clinical-significance assessments for this variant to ClinVar. Based on the evidence outlined above, the variant was classified as uncertain significance.

NM_080605.4(B3GALT6):c.218G>A (p.Arg73His)

Gene: B3GALT6 (beta-1,3-galactosyltransferase 6; plus strand). Cytogenetic location: 1p36.33.
Variant type: single nucleotide variant.
Coding change: c.218G>A on transcript NM_080605.4 (MANE Select); coding-DNA position 218, G replaced by A.
Protein change: p.Arg73His; replaces arginine 73 with histidine.
Molecular consequence: missense variant.
Genome position (GRCh38, 1-based): chr1:1,232,496, G>A. VCF-style: chr1-1232496-G-A. GRCh37 (hg19) VCF-style: chr1-1167876-G-A.
Other names: short protein forms R73H.
Identifiers: ClinVar variation 4849148 (VCV004849148.1).